The following is an entry in ClinVar:

NM_000234.3(LIG1):c.2187T>C (p.Val729=)

Gene: LIG1 (DNA ligase 1; minus strand). Cytogenetic location: 19q13.33.
Variant type: single nucleotide variant.
Coding change: c.2187T>C on transcript NM_000234.3 (MANE Select); coding-DNA position 2187, T replaced by C.
Protein change: p.Val729=; no amino-acid change (valine 729 retained).
Molecular consequence: synonymous variant. On other transcripts: non-coding transcript variant (6).
Genome position (GRCh38, 1-based): chr19:48,122,979, A>G on the plus strand (T>C on the coding strand, the complement: LIG1 is on the minus strand). VCF-style: chr19-48122979-A-G. GRCh37 (hg19) VCF-style: chr19-48626236-A-G.
Other names: c.2094T>C, p.Val698= (NM_001289063.2); c.1983T>C, p.Val661= (NM_001289064.2); c.2184T>C, p.Val728= (NM_001320970.2); c.2097T>C, p.Val699= (NM_001320971.2); c.2187T>C (NM_000234.2).
Identifiers: ClinVar variation 1170735 (VCV001170735.13), dbSNP rs116999747, ClinGen allele CA9546509.
Genomic context (GRCh38, chr19:48,122,979, plus strand): 5'-GGGGTCGAGAATCACCTTGAGCCAGTTGTGCGATCTCTTGGCGATCTCGTAGGTGGCATC[A>G]ACATCCAGGGTCTTCACCATCAGCCCCTCGCAGGAGTCTGAGGGAGACACAGAAGCGTGG-3'
Protein context (NP_000225.1, residues 719-739): CEGLMVKTLD[Val729=]DATYEIAKRS

ClinVar aggregate classification (germline): Benign/Likely benign. Review status: criteria provided, multiple submitters, no conflicts (2 of 4 stars). 4 submissions from 4 submitters: Benign (2); Likely benign (1). 1 of the submissions does not count toward it. Last evaluated 2026-01-28.

Conditions:
LIG1-related disorder. Also called: LIG1-related condition.

Allele frequency attached by ClinVar (database versions not stated): 1000 Genomes Project 0.00120; 1000 Genomes Project 30x 0.00125; ExAC 0.00182; gnomAD exomes 0.00191 and 0.00380; gnomAD 0.00216 and 0.00230; TOPMed 0.00237; ESP Exome Variant Server 0.00284.
gnomAD v4.1: 5,799 of 1,613,690 alleles (0.36%); highest among the groups gnomAD compares: Non-Finnish European, 0.46%; 15 homozygotes.

Submissions (4):

Labcorp Genetics (formerly Invitae), Labcorp
Classification: Benign. Last evaluated: 2026-01-28. Review status: criteria provided, single submitter. Criteria: Invitae Variant Classification Sherloc (09022015). Collection method: clinical testing. Allele origin: germline.

Blueprint Genetics
Classification: Likely benign. Last evaluated: 2024-10-21. Review status: criteria provided, single submitter. Criteria: ACMG Guidelines, 2015. Collection method: clinical testing. Allele origin: germline.

Breakthrough Genomics
Classification: Benign. Review status: criteria provided, single submitter. Criteria: ACMG Guidelines, 2015. Collection method: not provided. Allele origin: germline. Inheritance: Autosomal recessive inheritance. Affected: yes.

PreventionGenetics, part of Exact Sciences
Classification: Likely benign for LIG1-related condition. Last evaluated: 2020-03-13. Review status: no assertion criteria provided. Collection method: clinical testing. Allele origin: germline. Not counted in ClinVar's aggregate classification.
Comment: This variant is classified as likely benign based on ACMG/AMP sequence variant interpretation guidelines (Richards et al. 2015 PMID: 25741868, with internal and published modifications).